The following is an entry in ClinVar:

NM_005546.4(ITK):c.1034C>T (p.Ala345Val)

Gene: ITK (IL2 inducible T cell kinase; plus strand). Cytogenetic location: 5q33.3.
Variant type: single nucleotide variant.
Coding change: c.1034C>T on transcript NM_005546.4 (MANE Select); coding-DNA position 1034, C replaced by T.
Protein change: p.Ala345Val; replaces alanine 345 with valine.
Molecular consequence: missense variant.
Genome position (GRCh38, 1-based): chr5:157,241,694, C>T. VCF-style: chr5-157241694-C-T. GRCh37 (hg19) VCF-style: chr5-156668704-C-T.
Other names: short protein forms A345V.
Identifiers: ClinVar variation 647566 (VCV000647566.9), dbSNP rs1421908099, ClinGen allele CA361959006.

ClinVar aggregate classification (germline): Uncertain significance. Review status: criteria provided, multiple submitters, no conflicts (2 of 4 stars). 2 submissions from 2 submitters: Uncertain significance (2). Last evaluated 2022-08-06.

Conditions:
Lymphoproliferative syndrome 1 (LPFS1). Identifiers: Orphanet 238505, Orphanet 538963, MedGen C3552634, MONDO:0013081, OMIM 613011.

Allele frequency attached by ClinVar (database versions not stated): gnomAD exomes below 0.00001; gnomAD 0.00001; TOPMed 0.00001.
gnomAD v4.1: 4 of 1,613,536 alleles (0.00025%); highest among the groups gnomAD compares: Admixed American, 0.005%; no homozygotes.

Submissions (2):

Labcorp Genetics (formerly Invitae), Labcorp
Classification: Uncertain significance for Lymphoproliferative syndrome 1. Last evaluated: 2022-08-06. Review status: criteria provided, single submitter. Criteria: Invitae Variant Classification Sherloc (09022015). Collection method: clinical testing. Allele origin: germline.
Comment: This sequence change replaces alanine, which is neutral and non-polar, with valine, which is neutral and non-polar, at codon 345 of the ITK protein (p.Ala345Val). This variant is present in population databases (no rsID available, gnomAD 0.06%). This variant has not been reported in the literature in individuals affected with ITK-related conditions. ClinVar contains an entry for this variant (Variation ID: 647566). Advanced modeling of protein sequence and biophysical properties (such as structural, functional, and spatial information, amino acid conservation, physicochemical variation, residue mobility, and thermodynamic stability) performed at Invitae indicates that this missense variant is not expected to disrupt ITK protein function. In summary, the available evidence is currently insufficient to determine the role of this variant in disease. Therefore, it has been classified as a Variant of Uncertain Significance.

Genetic Services Laboratory, University of Chicago
Classification: Uncertain significance. Last evaluated: 2021-03-24. Review status: criteria provided, single submitter. Criteria: ACMG Guidelines, 2015. Collection method: clinical testing. Allele origin: germline. Affected: no.
Comment: DNA sequence analysis of the ITK gene demonstrated a sequence change, c.1034C>T, in exon 11 that results in an amino acid change, p.Ala345Val. This sequence change has been described in gnomAD with a low frequency of 0.064% (dbSNP rs1421908099) in the East Asian sub-population. The p.Ala345Val change affects a moderately conserved amino acid residue located in a domain of the ITK protein that is known to be functional. The p.Ala345Val substitution appears to be benign using several in-silico pathogenicity prediction tools (SIFT, PolyPhen2, Align GVGD, REVEL). This sequence change does not appear to have been previously described in patients with ITK-related disorders. Due to the lack of sufficient evidences, the clinical significance of the p.Ala345Val change remains unknown at this time.